The following is an entry in ClinVar:

ClinVar aggregate classification (germline): Uncertain significance (1 of 4 stars; one submission).

Allele frequency attached by ClinVar (database versions not stated): ExAC 0.00001; gnomAD 0.00001; gnomAD exomes 0.00001; TOPMed 0.00001.
gnomAD v4.1: 8 of 1,614,016 alleles (0.0005%); highest among the groups gnomAD compares: Non-Finnish European, 0.00068%; no homozygotes.

Submission:

Labcorp Genetics (formerly Invitae), Labcorp
Classification: Uncertain significance. Last evaluated: 2024-10-15. Review status: criteria provided, single submitter. Criteria: Invitae Variant Classification Sherloc (09022015). Collection method: clinical testing. Allele origin: germline.
Comment: This sequence change replaces leucine, which is neutral and non-polar, with tryptophan, which is neutral and slightly polar, at codon 806 of the HTT protein (p.Leu806Trp). This variant is present in population databases (rs769244324, gnomAD 0.002%). This variant has not been reported in the literature in individuals affected with HTT-related conditions. ClinVar contains an entry for this variant (Variation ID: 1465600). Experimental studies and prediction algorithms are not available or were not evaluated, and the functional significance of this variant is currently unknown. In summary, the available evidence is currently insufficient to determine the role of this variant in disease. Therefore, it has been classified as a Variant of Uncertain Significance.

NM_001388492.1(HTT):c.2411T>G (p.Leu804Trp)

Gene: HTT (huntingtin; plus strand). Cytogenetic location: 4p16.3.
Variant type: single nucleotide variant.
Coding change: c.2411T>G on transcript NM_001388492.1 (MANE Select); coding-DNA position 2411, T replaced by G.
Protein change: p.Leu804Trp; replaces leucine 804 with tryptophan.
Molecular consequence: missense variant.
Genome position (GRCh38, 1-based): chr4:3,132,829, T>G. VCF-style: chr4-3132829-T-G. GRCh37 (hg19) VCF-style: chr4-3134556-T-G.
Other names: c.2417T>G, p.Leu806Trp (NM_002111.8); short protein forms L804W, L806W.
Identifiers: ClinVar variation 1465600 (VCV001465600.6), dbSNP rs769244324, ClinGen allele CA2823840.